The following is an entry in ClinVar:

NM_031844.3(HNRNPU):c.1336C>T (p.Pro446Ser)

Gene: HNRNPU (heterogeneous nuclear ribonucleoprotein U; minus strand). Cytogenetic location: 1q44.
Variant type: single nucleotide variant.
Coding change: c.1336C>T on transcript NM_031844.3 (MANE Select); coding-DNA position 1336, C replaced by T.
Protein change: p.Pro446Ser; replaces proline 446 with serine.
Molecular consequence: missense variant.
Genome position (GRCh38, 1-based): chr1:244,858,169, G>A on the plus strand (C>T on the coding strand, the complement: HNRNPU is on the minus strand). VCF-style: chr1-244858169-G-A. GRCh37 (hg19) VCF-style: chr1-245021471-G-A.
Other names: c.1279C>T, p.Pro427Ser (NM_004501.3); short protein forms P427S, P446S.
Identifiers: ClinVar variation 4709709 (VCV004709709.1).

ClinVar aggregate classification (germline): Uncertain significance (1 of 4 stars; one submission).

Conditions:
Developmental and epileptic encephalopathy, 54. Also called: HNRNPU-Related Neurodevelopmental Disorder; Epileptic encephalopathy, early infantile, 54. Identifiers: MedGen C4479319, MONDO:0033363, OMIM 617391.

gnomAD v4.1: 2 of 1,614,132 alleles (0.00012%); highest among the groups gnomAD compares: South Asian, 0.0011%; no homozygotes.

Submission:

Labcorp Genetics (formerly Invitae), Labcorp
Classification: Uncertain significance for Developmental and epileptic encephalopathy, 54. Last evaluated: 2025-12-23. Review status: criteria provided, single submitter. Criteria: Invitae Variant Classification Sherloc (09022015). Collection method: clinical testing. Allele origin: germline.
Comment: This sequence change replaces proline, which is neutral and non-polar, with serine, which is neutral and polar, at codon 446 of the HNRNPU protein (p.Pro446Ser). This variant is not present in population databases (gnomAD no frequency). This variant has not been reported in the literature in individuals affected with HNRNPU-related conditions. Invitae Evidence Modeling of protein sequence and biophysical properties (such as structural, functional, and spatial information, amino acid conservation, physicochemical variation, residue mobility, and thermodynamic stability) indicates that this missense variant is expected to disrupt HNRNPU protein function with a positive predictive value of 95%. In summary, the available evidence is currently insufficient to determine the role of this variant in disease. Therefore, it has been classified as a Variant of Uncertain Significance.